The following is an entry in ClinVar:

NM_172364.5(CACNA2D4):c.2206A>G (p.Met736Val)

Gene: CACNA2D4 (calcium voltage-gated channel auxiliary subunit alpha2delta 4; minus strand). Cytogenetic location: 12p13.33.
Variant type: single nucleotide variant.
Coding change: c.2206A>G on transcript NM_172364.5 (MANE Select); coding-DNA position 2206, A replaced by G.
Protein change: p.Met736Val; replaces methionine 736 with valine.
Molecular consequence: missense variant.
Genome position (GRCh38, 1-based): chr12:1,853,991, T>C on the plus strand (A>G on the coding strand, the complement: CACNA2D4 is on the minus strand). VCF-style: chr12-1853991-T-C. GRCh37 (hg19) VCF-style: chr12-1963157-T-C.
Other names: c.2206A>G (NM_172364.4); short protein forms M736V.
Identifiers: ClinVar variation 1914669 (VCV001914669.7), dbSNP rs773004518, ClinGen allele CA6386801.

ClinVar aggregate classification (germline): Uncertain significance. Review status: criteria provided, multiple submitters, no conflicts (2 of 4 stars). 3 submissions from 3 submitters: Uncertain significance (3). Last evaluated 2025-08-31.

Conditions:
Inborn genetic diseases. Identifiers: MedGen C0950123, MeSH D030342.

Allele frequency attached by ClinVar (database versions not stated): ExAC 0.00006.
gnomAD v4.1: 26 of 1,612,894 alleles (0.0016%); highest among the groups gnomAD compares: Non-Finnish European, 0.0021%; no homozygotes.

Submissions (3):

Ambry Genetics
Classification: Uncertain significance for Inborn genetic diseases. Last evaluated: 2025-08-31. Review status: criteria provided, single submitter. Criteria: Ambry Variant Classification Scheme 2023. Collection method: clinical testing. Allele origin: germline.

Blueprint Genetics
Classification: Uncertain significance. Last evaluated: 2024-06-06. Review status: criteria provided, single submitter. Criteria: ACMG Guidelines, 2015. Collection method: clinical testing. Allele origin: germline.

Labcorp Genetics (formerly Invitae), Labcorp
Classification: Uncertain significance. Last evaluated: 2023-06-09. Review status: criteria provided, single submitter. Criteria: Invitae Variant Classification Sherloc (09022015). Collection method: clinical testing. Allele origin: germline.
Comment: In summary, the available evidence is currently insufficient to determine the role of this variant in disease. Therefore, it has been classified as a Variant of Uncertain Significance. An algorithm developed to predict the effect of missense changes on protein structure and function (PolyPhen-2) suggests that this variant is likely to be tolerated. ClinVar contains an entry for this variant (Variation ID: 1914669). This variant has not been reported in the literature in individuals affected with CACNA2D4-related conditions. This variant is present in population databases (rs773004518, gnomAD 0.006%). This sequence change replaces methionine, which is neutral and non-polar, with valine, which is neutral and non-polar, at codon 736 of the CACNA2D4 protein (p.Met736Val).